The following is an entry in ClinVar:

ClinVar aggregate classification (germline): Uncertain significance (1 of 4 stars; one submission).

gnomAD v4.1: 1 of 1,614,100 alleles (0.000062%); highest among the groups gnomAD compares: Admixed American, 0.0017%; no homozygotes.

Submission:

Labcorp Genetics (formerly Invitae), Labcorp
Classification: Uncertain significance. Last evaluated: 2025-12-28. Review status: criteria provided, single submitter. Criteria: Invitae Variant Classification Sherloc (09022015). Collection method: clinical testing. Allele origin: germline.
Comment: This sequence change replaces glycine, which is neutral and non-polar, with aspartic acid, which is acidic and polar, at codon 1048 of the COL4A4 protein (p.Gly1048Asp). This variant is not present in population databases (gnomAD no frequency). This missense change has been observed in individual(s) with COL4A4-related conditions (PMID: 31738409). Invitae Evidence Modeling of protein sequence and biophysical properties (such as structural, functional, and spatial information, amino acid conservation, physicochemical variation, residue mobility, and thermodynamic stability) indicates that this missense variant is expected to disrupt COL4A4 protein function with a positive predictive value of 95%. In summary, the available evidence is currently insufficient to determine the role of this variant in disease. Therefore, it has been classified as a Variant of Uncertain Significance.

Literature cited by the submitters: PubMed 31738409.

NM_000092.5(COL4A4):c.3143G>A (p.Gly1048Asp)

Gene: COL4A4 (collagen type IV alpha 4 chain; minus strand). Cytogenetic location: 2q36.3.
Variant type: single nucleotide variant.
Coding change: c.3143G>A on transcript NM_000092.5 (MANE Select); coding-DNA position 3143, G replaced by A.
Protein change: p.Gly1048Asp; replaces glycine 1048 with aspartic acid.
Molecular consequence: missense variant.
Genome position (GRCh38, 1-based): chr2:227,050,984, C>T on the plus strand (G>A on the coding strand, the complement: COL4A4 is on the minus strand). VCF-style: chr2-227050984-C-T. GRCh37 (hg19) VCF-style: chr2-227915700-C-T.
Other names: short protein forms G1048D.
Identifiers: ClinVar variation 4778806 (VCV004778806.1).